The following is an entry in ClinVar:

NM_004415.4(DSP):c.3692A>G (p.Asp1231Gly)

Gene: DSP (desmoplakin; plus strand). Cytogenetic location: 6p24.3.
Variant type: single nucleotide variant.
Coding change: c.3692A>G on transcript NM_004415.4 (MANE Select); coding-DNA position 3692, A replaced by G.
Protein change: p.Asp1231Gly; replaces aspartic acid 1231 with glycine.
Molecular consequence: missense variant. On other transcripts: intron variant (1).
Genome position (GRCh38, 1-based): chr6:7,579,882, A>G. VCF-style: chr6-7579882-A-G. GRCh37 (hg19) VCF-style: chr6-7580115-A-G.
Other names: c.3692A>G, p.Asp1231Gly (NM_001319034.2); c.3582+110A>G (NM_001008844.3); short protein forms D1231G.
Identifiers: ClinVar variation 4756047 (VCV004756047.1).
Genomic context (GRCh38, chr6:7,579,882, plus strand): 5'-AAACAGAGATTAACATTACGAAGACCACCATCAAGGAGATATCCATGCAAAAAGAGGATG[A>G]TTCCAAAAATCTTAGAAACCAGCTTGATAGACTTTCAAGGGAAAATCGAGATCTGAAGGA-3'
Protein context (NP_004406.2, residues 1221-1241): IKEISMQKED[Asp1231Gly]SKNLRNQLDR

ClinVar aggregate classification (germline): Uncertain significance (1 of 4 stars; one submission).

gnomAD v4.1: 1 of 1,614,182 alleles (0.000062%); highest among the groups gnomAD compares: Non-Finnish European, 0.000085%; no homozygotes.

Submission:

GeneDx
Classification: Uncertain significance. Last evaluated: 2025-08-02. Review status: criteria provided, single submitter. Criteria: GeneDx Variant Classification Process June 2021. Collection method: clinical testing. Allele origin: germline. Affected: yes.
Comment: Not observed at significant frequency in large population cohorts (gnomAD); In silico analysis supports that this missense variant has a deleterious effect on protein structure/function; Has not been previously published as pathogenic or benign to our knowledge